The following is an entry in ClinVar:

ClinVar aggregate classification (germline): Uncertain significance. Review status: criteria provided, multiple submitters, no conflicts (2 of 4 stars). 2 submissions from 2 submitters: Uncertain significance (2). Last evaluated 2022-10-18.

Conditions:
Cenani-Lenz syndactyly syndrome. Also called: CENANI SYNDACTYLISM; SYNDACTYLY, TYPE VII. Identifiers: Orphanet 3258, MedGen C1859309, MONDO:0008931, OMIM 212780.
Sclerosteosis 2 (SOST2). Identifiers: Orphanet 3152, MedGen C3280402, MONDO:0013679, OMIM 614305.
Congenital myasthenic syndrome 17. Identifiers: Orphanet 590, MedGen C4225377, MONDO:0014578, OMIM 616304.

Allele frequency attached by ClinVar (database versions not stated): ExAC 0.00001; gnomAD 0.00001; gnomAD exomes 0.00001; TOPMed 0.00001.
gnomAD v4.1: 24 of 1,613,986 alleles (0.0015%); highest among the groups gnomAD compares: Middle Eastern, 0.016%; no homozygotes.

Submissions (2):

Labcorp Genetics (formerly Invitae), Labcorp
Classification: Uncertain significance for Cenani-Lenz syndactyly syndrome; Sclerosteosis 2; Congenital myasthenic syndrome 17. Last evaluated: 2022-10-18. Review status: criteria provided, single submitter. Criteria: Invitae Variant Classification Sherloc (09022015). Collection method: clinical testing. Allele origin: germline.
Comment: This sequence change replaces alanine, which is neutral and non-polar, with threonine, which is neutral and polar, at codon 1203 of the LRP4 protein (p.Ala1203Thr). This variant is present in population databases (rs752888601, gnomAD 0.003%). This variant has not been reported in the literature in individuals affected with LRP4-related conditions. ClinVar contains an entry for this variant (Variation ID: 1404116). Advanced modeling of protein sequence and biophysical properties (such as structural, functional, and spatial information, amino acid conservation, physicochemical variation, residue mobility, and thermodynamic stability) performed at Invitae indicates that this missense variant is not expected to disrupt LRP4 protein function. In summary, the available evidence is currently insufficient to determine the role of this variant in disease. Therefore, it has been classified as a Variant of Uncertain Significance.

Fulgent Genetics
Classification: Uncertain significance for Cenani-Lenz syndactyly syndrome; Sclerosteosis 2; Congenital myasthenic syndrome 17. Last evaluated: 2021-09-28. Review status: criteria provided, single submitter. Criteria: ACMG Guidelines, 2015. Collection method: clinical testing. Allele origin: unknown.

NM_002334.4(LRP4):c.3607G>A (p.Ala1203Thr)

Gene: LRP4 (LDL receptor related protein 4; minus strand). Cytogenetic location: 11p11.2.
Variant type: single nucleotide variant.
Coding change: c.3607G>A on transcript NM_002334.4 (MANE Select); coding-DNA position 3607, G replaced by A.
Protein change: p.Ala1203Thr; replaces alanine 1203 with threonine.
Molecular consequence: missense variant.
Genome position (GRCh38, 1-based): chr11:46,875,896, C>T on the plus strand (G>A on the coding strand, the complement: LRP4 is on the minus strand). VCF-style: chr11-46875896-C-T. GRCh37 (hg19) VCF-style: chr11-46897447-C-T.
Other names: short protein forms A1203T.
Identifiers: ClinVar variation 1404116 (VCV001404116.7), dbSNP rs752888601, ClinGen allele CA5969533.